The following is an entry in ClinVar:

ClinVar aggregate classification (germline): Uncertain significance (1 of 4 stars; one submission).

Allele frequency attached by ClinVar (database versions not stated): TOPMed 0.00001.
gnomAD v4.1: 2 of 1,613,180 alleles (0.00012%); highest among the groups gnomAD compares: Non-Finnish European, 0.00017%; no homozygotes.

Submission:

Labcorp Genetics (formerly Invitae), Labcorp
Classification: Uncertain significance. Last evaluated: 2022-02-24. Review status: criteria provided, single submitter. Criteria: Invitae Variant Classification Sherloc (09022015). Collection method: clinical testing. Allele origin: germline.
Comment: In summary, the available evidence is currently insufficient to determine the role of this variant in disease. Therefore, it has been classified as a Variant of Uncertain Significance. Advanced modeling of protein sequence and biophysical properties (such as structural, functional, and spatial information, amino acid conservation, physicochemical variation, residue mobility, and thermodynamic stability) performed at Invitae indicates that this missense variant is not expected to disrupt KCNV2 protein function. This missense change has been observed in individual(s) with clinical features of inherited retinal dystrophy (Invitae). In at least one individual the data is consistent with being in trans (on the opposite chromosome) from a pathogenic variant. This variant is not present in population databases (gnomAD no frequency). This sequence change replaces proline, which is neutral and non-polar, with threonine, which is neutral and polar, at codon 300 of the KCNV2 protein (p.Pro300Thr).

NM_133497.4(KCNV2):c.898C>A (p.Pro300Thr)

Gene: KCNV2 (potassium voltage-gated channel modifier subfamily V member 2; plus strand). Cytogenetic location: 9p24.2.
Variant type: single nucleotide variant.
Coding change: c.898C>A on transcript NM_133497.4 (MANE Select); coding-DNA position 898, C replaced by A.
Protein change: p.Pro300Thr; replaces proline 300 with threonine.
Molecular consequence: missense variant.
Genome position (GRCh38, 1-based): chr9:2,718,637, C>A. VCF-style: chr9-2718637-C-A. GRCh37 (hg19) VCF-style: chr9-2718637-C-A.
Other names: short protein forms P300T.
Identifiers: ClinVar variation 1367654 (VCV001367654.4), dbSNP rs773016278, ClinGen allele CA187973237.
Genomic context (GRCh38, chr9:2,718,637, plus strand): 5'-AACACCGTGGAGGAGATGCAGCAGCACTCGGGGCAGGGCGAGGGCGGCCCAGACCTGCGG[C>A]CCATCCTGGAGCACGTGGAGATGCTGTGCATGGGCTTCTTCACGCTCGAGTACCTGCTGC-3'
Protein context (NP_598004.1, residues 290-310): GQGEGGPDLR[Pro300Thr]ILEHVEMLCM